The following is an entry in ClinVar:

ClinVar aggregate classification (germline): Uncertain significance. Review status: criteria provided, multiple submitters, no conflicts (2 of 4 stars). 2 submissions from 2 submitters: Uncertain significance (2). Last evaluated 2024-10-19.

Allele frequency attached by ClinVar (database versions not stated): ESP Exome Variant Server 0.00015; gnomAD exomes 0.00015; TOPMed 0.00014; ExAC 0.00017.
gnomAD v4.1: 251 of 1,578,296 alleles (0.016%); highest among the groups gnomAD compares: Middle Eastern, 0.44%; 2 homozygotes.

Submissions (3):

Labcorp Genetics (formerly Invitae), Labcorp
Classification: Uncertain significance. Last evaluated: 2024-10-19. Review status: criteria provided, single submitter. Criteria: Invitae Variant Classification Sherloc (09022015). Collection method: clinical testing. Allele origin: germline.
Comment: This sequence change replaces isoleucine, which is neutral and non-polar, with valine, which is neutral and non-polar, at codon 296 of the NAA35 protein (p.Ile296Val). This variant is present in population databases (rs141991899, gnomAD 0.03%). This variant has not been reported in the literature in individuals affected with NAA35-related conditions. ClinVar contains an entry for this variant (Variation ID: 2073170). An algorithm developed to predict the effect of missense changes on protein structure and function (PolyPhen-2) suggests that this variant is likely to be tolerated. In summary, the available evidence is currently insufficient to determine the role of this variant in disease. Therefore, it has been classified as a Variant of Uncertain Significance.

Ambry Genetics
Classification: Uncertain significance. Last evaluated: 2022-08-08. Review status: criteria provided, single submitter. Criteria: Ambry Variant Classification Scheme 2023. Collection method: clinical testing. Allele origin: germline.

Dr. Peter K. Rogan Lab, Western University
No classification provided (evidence only). Condition: Uterine corpus endometrial carcinoma. Review status: no classification provided. Collection method: in vitro. Allele origin: not applicable. Functional consequence: retained intron. Not counted in ClinVar's aggregate classification.

NM_024635.4(NAA35):c.886A>G (p.Ile296Val)

Gene: NAA35 (N-alpha-acetyltransferase 35, NatC auxiliary subunit; plus strand). Cytogenetic location: 9q21.33.
Variant type: single nucleotide variant.
Coding change: c.886A>G on transcript NM_024635.4 (MANE Select); coding-DNA position 886, A replaced by G.
Protein change: p.Ile296Val; replaces isoleucine 296 with valine.
Molecular consequence: missense variant.
Genome position (GRCh38, 1-based): chr9:85,996,407, A>G. VCF-style: chr9-85996407-A-G. GRCh37 (hg19) VCF-style: chr9-88611322-A-G.
Other names: c.886A>G, p.Ile296Val (NM_001321881.2, NM_001321882.2); c.886A>G (NM_024635.3); short protein forms I296V.
Identifiers: ClinVar variation 2073170 (VCV002073170.6), dbSNP rs141991899, ClinGen allele CA5107304.